The following is an entry in ClinVar:

NM_032043.3(BRIP1):c.1614T>C (p.Phe538=)

Gene: BRIP1 (BRCA1 interacting DNA helicase 1; minus strand). Cytogenetic location: 17q23.2.
Variant type: single nucleotide variant.
Coding change: c.1614T>C on transcript NM_032043.3 (MANE Select); coding-DNA position 1614, T replaced by C.
Protein change: p.Phe538=; no amino-acid change (phenylalanine 538 retained).
Molecular consequence: synonymous variant.
Genome position (GRCh38, 1-based): chr17:61,784,284, A>G on the plus strand (T>C on the coding strand, the complement: BRIP1 is on the minus strand). VCF-style: chr17-61784284-A-G. GRCh37 (hg19) VCF-style: chr17-59861645-A-G.
Identifiers: ClinVar variation 1148076 (VCV001148076.14), dbSNP rs2145135352, ClinGen allele CA501150682.

ClinVar aggregate classification (germline): Benign/Likely benign. Review status: criteria provided, multiple submitters, no conflicts (2 of 4 stars). 3 submissions from 3 submitters: Benign (1); Likely benign (2). Last evaluated 2024-08-28.

Conditions:
Familial cancer of breast. Also called: BREAST CANCER, FAMILIAL; Hereditary breast cancer; hereditary breast carcinoma. Identifiers: Orphanet 227535, MedGen C0346153, MONDO:0016419, OMIM 114480. Disease mechanism: loss of function.
Fanconi anemia complementation group J. Also called: BRIP1-Related Fanconi Anemia. Identifiers: Orphanet 84, MedGen C1836860, MONDO:0012187, OMIM 609054.
Hereditary cancer-predisposing syndrome. Also called: Hereditary Cancer Syndrome; Hereditary neoplastic syndrome; Neoplastic Syndromes, Hereditary; Tumor predisposition. Identifiers: Orphanet 140162, MedGen C0027672, MeSH D009386, MONDO:0015356.

Submissions (3):

Myriad Genetics, Inc.
Classification: Benign for Familial cancer of breast. Last evaluated: 2024-08-28. Review status: criteria provided, single submitter. Criteria: Myriad Autosomal Dominant, Autosomal Recessive and X-Linked Classification Criteria (2023). Collection method: clinical testing. Allele origin: unknown.
Comment: This variant is considered benign. This variant is a silent/synonymous amino acid change and it is not expected to impact splicing.

Labcorp Genetics (formerly Invitae), Labcorp
Classification: Likely benign for Familial cancer of breast; Fanconi anemia complementation group J. Last evaluated: 2022-06-07. Review status: criteria provided, single submitter. Criteria: Invitae Variant Classification Sherloc (09022015). Collection method: clinical testing. Allele origin: germline.

Ambry Genetics
Classification: Likely benign for Hereditary cancer-predisposing syndrome. Last evaluated: 2020-12-31. Review status: criteria provided, single submitter. Criteria: Ambry Variant Classification Scheme 2023. Collection method: clinical testing. Allele origin: germline.